The following is an entry in ClinVar:

ClinVar aggregate classification (germline): Pathogenic. Review status: reviewed by expert panel (3 of 4 stars). 2 submissions from 2 submitters: Pathogenic (1). 1 of the submissions does not count toward it. Last evaluated 2017-12-15.

Conditions:
Hereditary cancer-predisposing syndrome. Also called: Tumor predisposition; Hereditary Cancer Syndrome; Neoplastic Syndromes, Hereditary; Hereditary neoplastic syndrome. Identifiers: Orphanet 140162, MedGen C0027672, MeSH D009386, MONDO:0015356.
Breast-ovarian cancer, familial, susceptibility to, 1 (BROVCA1). Also called: BRCA1 Hereditary Breast and Ovarian Cancer; OVARIAN CANCER, SUSCEPTIBILITY TO. Identifiers: Orphanet 145, MedGen C2676676, MONDO:0011450, OMIM 604370. Disease mechanism: loss of function.

Submissions (2):

Evidence-based Network for the Interpretation of Germline Mutant Alleles (ENIGMA)
Classification: Pathogenic for Breast-ovarian cancer, familial, susceptibility to, 1. Last evaluated: 2017-12-15. Review status: reviewed by expert panel. Criteria: ENIGMA BRCA1/2 Classification Criteria (2017-06-29). Collection method: curation. Allele origin: germline. Study: ENIGMA.
Comment: Variant allele predicted to encode a truncated non-functional protein.

Ambry Genetics
Classification: Pathogenic for Hereditary cancer-predisposing syndrome. Last evaluated: 2015-05-21. Review status: criteria provided, single submitter. Criteria: Ambry Variant Classification Scheme 2023. Collection method: clinical testing. Allele origin: germline. Not counted in ClinVar's aggregate classification.
Comment: The c.2402delG pathogenic mutation (also known as 2521delG), located in coding exon 9 of the BRCA1 gene, results from a deletion of one nucleotide at nucleotide position 2402, causing a translational frameshift with a predicted alternate stop codon. Since frameshifts are typically deleterious in nature, this alteration is interpreted as a disease-causing mutation (ACMG Recommendations for Standards for Interpretation and Reporting of Sequence Variations. Revision 2007. Genet Med. 2008;10:294).

NM_007294.4(BRCA1):c.2402del (p.Cys801fs)

Gene: BRCA1 (BRCA1 DNA repair associated; minus strand). Cytogenetic location: 17q21.31.
Variant type: Deletion.
Coding change: c.2402del on transcript NM_007294.4 (MANE Select); coding-DNA position 2402, one base deleted (G; older notation c.2402delG).
Protein change: p.Cys801fs; shifts the reading frame from cysteine 801.
Molecular consequence: frameshift variant. On other transcripts: intron variant (137).
Genome position (GRCh38, 1-based): chr17:43,093,129, C deleted on the plus strand (G on the coding strand, the reverse complement: BRCA1 is on the minus strand). VCF-style (leftmost placement, unchanged base first): chr17-43093128-AC-A. GRCh37 (hg19) VCF-style: chr17-41245145-AC-A.
Other names: c.2402del, p.Cys801fs (NM_001407858.1, NM_001407859.1, NM_007300.4 and 30 more transcripts); c.2399del, p.Cys800fs (NM_001407860.1, NM_001407861.1, NM_001407587.1 and 22 more transcripts); c.2201del, p.Cys734fs (NM_001407862.1); c.2279del, p.Cys760fs (NM_001407863.1, NM_001407919.1, NM_001407937.1 and 19 more transcripts); c.2198del, p.Cys733fs (NM_001407874.1, NM_001407875.1); c.2192del, p.Cys731fs (NM_001407879.1, NM_001407881.1, NM_001407882.1 and 13 more transcripts); c.2189del, p.Cys730fs (NM_001407894.1, NM_001407895.1, NM_001407896.1 and 9 more transcripts); c.2138del, p.Cys713fs (NM_001407920.1, NM_001407921.1, NM_001407922.1 and 9 more transcripts); and 41 more; short protein forms C801fs, C754fs, C633fs, C674fs, C713fs, C731fs, C753fs, C760fs.
Identifiers: ClinVar variation 231926 (VCV000231926.6), dbSNP rs876659447, ClinGen allele CA10580617.